The following is an entry in ClinVar:

NM_005677.4(COLQ):c.789G>A (p.Pro263=)

Gene: COLQ (collagen like tail subunit of asymmetric acetylcholinesterase; minus strand). Cytogenetic location: 3p25.1.
Variant type: single nucleotide variant.
Coding change: c.789G>A on transcript NM_005677.4 (MANE Select); coding-DNA position 789, G replaced by A.
Protein change: p.Pro263=; no amino-acid change (proline 263 retained).
Molecular consequence: synonymous variant.
Genome position (GRCh38, 1-based): chr3:15,466,366, C>T on the plus strand (G>A on the coding strand, the complement: COLQ is on the minus strand). VCF-style: chr3-15466366-C-T. GRCh37 (hg19) VCF-style: chr3-15507873-C-T.
Other names: c.759G>A, p.Pro253= (NM_080538.2); c.687G>A, p.Pro229= (NM_080539.4).
Identifiers: ClinVar variation 468348 (VCV000468348.19), dbSNP rs150061580, ClinGen allele CA2275971.

ClinVar aggregate classification (germline): Benign/Likely benign. Review status: criteria provided, multiple submitters, no conflicts (2 of 4 stars). 5 submissions from 5 submitters: Benign (1); Likely benign (3). 1 of the submissions does not count toward it. Last evaluated 2026-01-26.

Conditions:
COLQ-related disorder. Also called: COLQ-related condition.
Congenital myasthenic syndrome 5. Identifiers: Orphanet 590, MedGen C1864233, MONDO:0011281, OMIM 603034.

Allele frequency attached by ClinVar (database versions not stated): gnomAD exomes 0.00026 and 0.00072; ExAC 0.00074; gnomAD 0.00234 and 0.00251; 1000 Genomes Project 0.00240; TOPMed 0.00284; ESP Exome Variant Server 0.00292; 1000 Genomes Project 30x 0.00297.

Submissions (5):

Labcorp Genetics (formerly Invitae), Labcorp
Classification: Benign for Congenital myasthenic syndrome 5. Last evaluated: 2026-01-26. Review status: criteria provided, single submitter. Criteria: Invitae Variant Classification Sherloc (09022015). Collection method: clinical testing. Allele origin: germline.

Blueprint Genetics
Classification: Likely benign. Last evaluated: 2024-06-27. Review status: criteria provided, single submitter. Criteria: ACMG Guidelines, 2015. Collection method: clinical testing. Allele origin: germline.

Illumina Laboratory Services, Illumina
Classification: Likely benign for Congenital myasthenic syndrome 5. Last evaluated: 2018-01-13. Review status: criteria provided, single submitter. Criteria: ICSL Variant Classification Criteria 13 December 2019. Collection method: clinical testing. Allele origin: germline.
Comment: This variant was observed in the ICSL laboratory as part of a predisposition screen in an ostensibly healthy population. It had not been previously curated by ICSL or reported in the Human Gene Mutation Database (HGMD: prior to June 1st, 2018), and was therefore a candidate for classification through an automated scoring system. Utilizing variant allele frequency, disease prevalence and penetrance estimates, and inheritance mode, an automated score was calculated to assess if this variant is too frequent to cause the disease. Based on the score and internal cut-off values, a variant classified as likely benign is not then subjected to further curation. The score for this variant resulted in a classification of likely benign for this disease.

Breakthrough Genomics
Classification: Likely benign. Review status: criteria provided, single submitter. Criteria: ACMG Guidelines, 2015. Collection method: not provided. Allele origin: germline. Inheritance: Autosomal recessive inheritance. Affected: yes.

PreventionGenetics, part of Exact Sciences
Classification: Likely benign for COLQ-related condition. Last evaluated: 2019-06-18. Review status: no assertion criteria provided. Collection method: clinical testing. Allele origin: germline. Not counted in ClinVar's aggregate classification.
Comment: This variant is classified as likely benign based on ACMG/AMP sequence variant interpretation guidelines (Richards et al. 2015 PMID: 25741868, with internal and published modifications).